The following is an entry in ClinVar:

ClinVar aggregate classification (germline): Uncertain significance (1 of 4 stars; one submission).

gnomAD v4.1: 1 of 1,614,226 alleles (0.000062%); highest among the groups gnomAD compares: East Asian, 0.0022%; no homozygotes.

Submission:

Labcorp Genetics (formerly Invitae), Labcorp
Classification: Uncertain significance. Last evaluated: 2025-06-24. Review status: criteria provided, single submitter. Criteria: Invitae Variant Classification Sherloc (09022015). Collection method: clinical testing. Allele origin: germline.
Comment: This sequence change replaces proline, which is neutral and non-polar, with threonine, which is neutral and polar, at codon 381 of the MTHFD1 protein (p.Pro381Thr). This variant is present in population databases (no rsID available, gnomAD 0.006%). This variant has not been reported in the literature in individuals affected with MTHFD1-related conditions. ClinVar contains an entry for this variant (Variation ID: 1470802). Invitae Evidence Modeling of protein sequence and biophysical properties (such as structural, functional, and spatial information, amino acid conservation, physicochemical variation, residue mobility, and thermodynamic stability) indicates that this missense variant is expected to disrupt MTHFD1 protein function with a positive predictive value of 80%. In summary, the available evidence is currently insufficient to determine the role of this variant in disease. Therefore, it has been classified as a Variant of Uncertain Significance.

NM_005956.4(MTHFD1):c.1141C>A (p.Pro381Thr)

Gene: MTHFD1 (methylenetetrahydrofolate dehydrogenase, cyclohydrolase and formyltetrahydrofolate synthetase 1; plus strand). Cytogenetic location: 14q23.3.
Variant type: single nucleotide variant.
Coding change: c.1141C>A on transcript NM_005956.4 (MANE Select); coding-DNA position 1141, C replaced by A.
Protein change: p.Pro381Thr; replaces proline 381 with threonine.
Molecular consequence: missense variant.
Genome position (GRCh38, 1-based): chr14:64,427,350, C>A. VCF-style: chr14-64427350-C-A. GRCh37 (hg19) VCF-style: chr14-64894068-C-A.
Other names: c.1141C>A, p.Pro381Thr (NM_001364837.1); short protein forms P381T.
Identifiers: ClinVar variation 1470802 (VCV001470802.8), dbSNP rs769927214, ClinGen allele CA389988703.